The following is an entry in ClinVar:

ClinVar aggregate classification (germline): Uncertain significance (0 of 4 stars; one submission).

Conditions:
DNMT3A-related disorder. Also called: DNMT3A-related condition; DNMT3A-related disorders.

Submission:

PreventionGenetics, part of Exact Sciences
Classification: Uncertain significance for DNMT3A-related condition. Last evaluated: 2024-06-28. Review status: no assertion criteria provided. Collection method: clinical testing. Allele origin: germline.
Comment: The DNMT3A c.1318T>A variant is predicted to result in the amino acid substitution p.Trp440Arg. To our knowledge, this variant has not been reported in the literature or in a large population database, indicating this variant is rare. At this time, the clinical significance of this variant is uncertain due to the absence of conclusive functional and genetic evidence.

NM_022552.5(DNMT3A):c.1318T>A (p.Trp440Arg)

Gene: DNMT3A (DNA methyltransferase 3 alpha; minus strand). Cytogenetic location: 2p23.3.
Variant type: single nucleotide variant.
Coding change: c.1318T>A on transcript NM_022552.5 (MANE Select); coding-DNA position 1318, T replaced by A.
Protein change: p.Trp440Arg; replaces tryptophan 440 with arginine.
Molecular consequence: missense variant. On other transcripts: non-coding transcript variant (1).
Genome position (GRCh38, 1-based): chr2:25,246,271, A>T on the plus strand (T>A on the coding strand, the complement: DNMT3A is on the minus strand). VCF-style: chr2-25246271-A-T. GRCh37 (hg19) VCF-style: chr2-25469140-A-T.
Other names: c.862T>A, p.Trp288Arg (NM_001320893.1); c.649T>A, p.Trp217Arg (NM_001375819.1); c.751T>A, p.Trp251Arg (NM_153759.3); c.1318T>A, p.Trp440Arg (NM_175629.2); short protein forms W217R, W251R, W288R, W440R.
Identifiers: ClinVar variation 3344163 (VCV003344163.1).